The following is an entry in ClinVar:

NM_001783.4(CD79A):c.320G>A (p.Arg107Gln)

Genes: CD79A (CD79a molecule; plus strand), RPS19-CD79A (RPS19-CD79A readthrough; plus strand). Cytogenetic location: 19q13.2.
Variant type: single nucleotide variant.
Coding change: c.320G>A on transcript NM_001783.4 (MANE Select); coding-DNA position 320, G replaced by A.
Protein change: p.Arg107Gln; replaces arginine 107 with glutamine.
Molecular consequence: missense variant. On other transcripts: intron variant (1).
Genome position (GRCh38, 1-based): chr19:41,879,230, G>A. VCF-style: chr19-41879230-G-A. GRCh37 (hg19) VCF-style: chr19-42383300-G-A.
Other names: c.265+55G>A (NM_021601.4); short protein forms R107Q.
Identifiers: ClinVar variation 133833 (VCV000133833.4), dbSNP rs143511203, ClinGen allele CA157912.

ClinVar aggregate classification (germline): Uncertain significance. Review status: criteria provided, single submitter (1 of 4 stars). 2 submissions from 2 submitters: Uncertain significance (1). 1 of the submissions does not count toward it. Last evaluated 2022-05-25.

Conditions:
Agammaglobulinemia 3, autosomal recessive (AGM3). Also called: AGAMMAGLOBULINEMIA 3; AGAMMAGLOBULINEMIA, AUTOSOMAL RECESSIVE, DUE TO CD79A DEFECT. Identifiers: MedGen C3150751, MONDO:0013288, OMIM 613501.

Allele frequency attached by ClinVar (database versions not stated): gnomAD 0.00004; gnomAD exomes 0.00004; TOPMed 0.00005; ExAC 0.00006; ESP Exome Variant Server 0.00008.

Submissions (2):

Labcorp Genetics (formerly Invitae), Labcorp
Classification: Uncertain significance for Agammaglobulinemia 3, autosomal recessive. Last evaluated: 2022-05-25. Review status: criteria provided, single submitter. Criteria: Invitae Variant Classification Sherloc (09022015). Collection method: clinical testing. Allele origin: germline.
Comment: This sequence change replaces arginine, which is basic and polar, with glutamine, which is neutral and polar, at codon 107 of the CD79A protein (p.Arg107Gln). This variant is present in population databases (rs143511203, gnomAD 0.02%). This variant has not been reported in the literature in individuals affected with CD79A-related conditions. ClinVar contains an entry for this variant (Variation ID: 133833). Algorithms developed to predict the effect of missense changes on protein structure and function output the following: SIFT: "Tolerated"; PolyPhen-2: "Benign"; Align-GVGD: "Class C0". The glutamine amino acid residue is found in multiple mammalian species, which suggests that this missense change does not adversely affect protein function. Algorithms developed to predict the effect of sequence changes on RNA splicing suggest that this variant may create or strengthen a splice site. In summary, the available evidence is currently insufficient to determine the role of this variant in disease. Therefore, it has been classified as a Variant of Uncertain Significance.

ITMI
No classification provided. Condition: AllHighlyPenetrant. Last evaluated: 2013-09-19. Review status: no classification provided. Collection method: reference population. Allele origin: germline. Not counted in ClinVar's aggregate classification.
Comment: Please see associated publication for description of ethnicities

Literature cited by the submitters: PubMed 24728327 (cited by ITMI).